The following is an entry in ClinVar:

NM_000368.5(TSC1):c.989_990insTT (p.Leu330_Ser331insTer)

Gene: TSC1 (TSC complex subunit 1; minus strand). Cytogenetic location: 9q34.13.
Variant type: Insertion.
Coding change: c.989_990insTT on transcript NM_000368.5 (MANE Select); coding-DNA positions 989 to 990, TT inserted.
Protein change: p.Leu330_Ser331insTer.
Molecular consequence: frameshift variant.
Genome position: GRCh38 VCF-style: chr9-132911492-C-CAA. GRCh37 (hg19) VCF-style: chr9-135786879-C-CAA.
Other names: c.989_990insTT, p.Leu330_Ser331insTer (NM_001162426.2); c.836_837insTT, p.Leu279_Ser280insTer (NM_001162427.2); c.626_627insTT, p.Leu209_Ser210insTer (NM_001362177.2).
Identifiers: ClinVar variation 422626 (VCV000422626.3), dbSNP rs118203478, ClinGen allele CA16618777.

ClinVar aggregate classification (germline): Pathogenic (1 of 4 stars; one submission).

Submission:

GeneDx
Classification: Pathogenic. Last evaluated: 2025-02-07. Review status: criteria provided, single submitter. Criteria: GeneDx Variant Classification Process June 2021. Collection method: clinical testing. Allele origin: germline. Affected: yes.
Comment: Nonsense variant predicted to result in protein truncation or nonsense mediated decay in a gene for which loss of function is a known mechanism of disease; Not observed at significant frequency in large population cohorts (gnomAD); This variant is associated with the following publications: (PMID: 25782670)